The following is an entry in ClinVar:

NM_000489.6(ATRX):c.811G>C (p.Glu271Gln)

Gene: ATRX (ATRX chromatin remodeler; minus strand). Cytogenetic location: Xq21.1.
Variant type: single nucleotide variant.
Coding change: c.811G>C on transcript NM_000489.6 (MANE Select); coding-DNA position 811, G replaced by C.
Protein change: p.Glu271Gln; replaces glutamic acid 271 with glutamine.
Molecular consequence: missense variant.
Genome position (GRCh38, 1-based): chrX:77,684,445, C>G on the plus strand (G>C on the coding strand, the complement: ATRX is on the minus strand). VCF-style: chrX-77684445-C-G. GRCh37 (hg19) VCF-style: chrX-76939937-C-G.
Other names: c.697G>C, p.Glu233Gln (NM_138270.5); short protein forms E233Q, E271Q.
Identifiers: ClinVar variation 4763709 (VCV004763709.1).

ClinVar aggregate classification (germline): Uncertain significance (1 of 4 stars; one submission).

Conditions:
Alpha thalassemia-X-linked intellectual disability syndrome (ATRX). Also called: ALPHA-THALASSEMIA/MENTAL RETARDATION SYNDROME, X-LINKED; ATR, NONDELETION TYPE; ATR-X syndrome; Alpha thalassemia mental retardation syndrome, nondeletion type, X-linked; XLMR hypotonic face syndrome; X-linked alpha-thalassemia-mental retardation syndrome. Identifiers: Orphanet 847, MedGen C1845055, MONDO:0010519, OMIM 301040.

Submission:

Labcorp Genetics (formerly Invitae), Labcorp
Classification: Uncertain significance for Alpha thalassemia-X-linked intellectual disability syndrome. Last evaluated: 2025-07-14. Review status: criteria provided, single submitter. Criteria: Invitae Variant Classification Sherloc (09022015). Collection method: clinical testing. Allele origin: germline.
Comment: This sequence change replaces glutamic acid, which is acidic and polar, with glutamine, which is neutral and polar, at codon 271 of the ATRX protein (p.Glu271Gln). This variant is not present in population databases (gnomAD no frequency). This variant has not been reported in the literature in individuals affected with ATRX-related conditions. Invitae Evidence Modeling of protein sequence and biophysical properties (such as structural, functional, and spatial information, amino acid conservation, physicochemical variation, residue mobility, and thermodynamic stability) indicates that this missense variant is not expected to disrupt ATRX protein function with a negative predictive value of 95%. In summary, the available evidence is currently insufficient to determine the role of this variant in disease. Therefore, it has been classified as a Variant of Uncertain Significance.